The following is an entry in ClinVar:

NM_004963.4(GUCY2C):c.2086G>T (p.Glu696Ter)

Gene: GUCY2C (guanylate cyclase 2C; minus strand). Cytogenetic location: 12p12.3.
Variant type: single nucleotide variant.
Coding change: c.2086G>T on transcript NM_004963.4 (MANE Select); coding-DNA position 2086, G replaced by T.
Protein change: p.Glu696Ter; replaces glutamic acid 696 with a stop codon.
Molecular consequence: nonsense.
Genome position (GRCh38, 1-based): chr12:14,639,933, C>A on the plus strand (G>T on the coding strand, the complement: GUCY2C is on the minus strand). VCF-style: chr12-14639933-C-A. GRCh37 (hg19) VCF-style: chr12-14792867-C-A.
Other names: short protein forms E696*.
Identifiers: ClinVar variation 379706 (VCV000379706.4), dbSNP rs1057520701, ClinGen allele CA16607185.

ClinVar aggregate classification (germline): Conflicting classifications of pathogenicity. Review status: criteria provided, conflicting classifications (1 of 4 stars). 2 submissions from 2 submitters: Likely pathogenic (1); Uncertain significance (1). Last evaluated 2025-03-21.

Conditions:
Intestinal obstruction in the newborn due to guanylate cyclase 2C deficiency. Identifiers: Orphanet 314376, MedGen C4518781, MONDO:0013843, OMIM 614665.

Allele frequency attached by ClinVar (database versions not stated): gnomAD exomes below 0.00001.
gnomAD v4.1: 1 of 1,607,966 alleles (0.000062%); highest among the groups gnomAD compares: East Asian, 0.0022%; no homozygotes.

Submissions (2):

First Genomix Gene Laboratory, Genetic Diagnostics Department
Classification: Likely pathogenic for Intestinal obstruction in the newborn due to guanylate cyclase 2C deficiency. Last evaluated: 2025-03-21. Review status: criteria provided, single submitter. Criteria: ACMG Guidelines, 2015. Collection method: clinical testing. Allele origin: germline. Inheritance: Autosomal recessive inheritance. Affected: no. Observed: 1 variant allele.

GeneDx
Classification: Uncertain significance. Last evaluated: 2019-03-20. Review status: criteria provided, single submitter. Criteria: GeneDx Variant Classification Process June 2021. Collection method: clinical testing. Allele origin: germline. Affected: yes.
Comment: Nonsense variant predicted to result in protein truncation or nonsense mediated decay in a gene for which loss-of-function is not a known mechanism of disease; Has not been previously published as pathogenic or benign to our knowledge